The following is an entry in ClinVar:

NM_031475.3(ESPN):c.1277G>A (p.Gly426Glu)

Gene: ESPN (espin; plus strand). Cytogenetic location: 1p36.31.
Variant type: single nucleotide variant.
Coding change: c.1277G>A on transcript NM_031475.3 (MANE Select); coding-DNA position 1277, G replaced by A.
Protein change: p.Gly426Glu; replaces glycine 426 with glutamic acid.
Molecular consequence: missense variant.
Genome position (GRCh38, 1-based): chr1:6,445,748, G>A. VCF-style: chr1-6445748-G-A. GRCh37 (hg19) VCF-style: chr1-6505808-G-A.
Other names: c.1277G>A, p.Gly426Glu (NM_001367473.1, NM_001367474.1); short protein forms G426E.
Identifiers: ClinVar variation 1300904 (VCV001300904.2), dbSNP rs1368151613, ClinGen allele CA338094574.

ClinVar aggregate classification (germline): Uncertain significance (1 of 4 stars; one submission).

Allele frequency attached by ClinVar (database versions not stated): gnomAD 0.00001.

Submission:

GeneDx
Classification: Uncertain significance. Last evaluated: 2021-10-01. Review status: criteria provided, single submitter. Criteria: GeneDx Variant Classification Process June 2021. Collection method: clinical testing. Allele origin: germline. Affected: yes.
Comment: Not observed at significant frequency in large population cohorts (Lek et al., 2016); In silico analysis supports that this missense variant does not alter protein structure/function; Has not been previously published as pathogenic or benign to our knowledge